The following is an entry in ClinVar:

NC_000011.9:g.(?_1774733)_(1785089_?)del

Gene: CTSD (cathepsin D; minus strand). Cytogenetic location: 11p15.5.
Variant type: Deletion.
Identifiers: ClinVar variation 2424315 (VCV002424315.4).

ClinVar aggregate classification (germline): Pathogenic (1 of 4 stars; one submission).

Conditions:
Neuronal ceroid lipofuscinosis. Also called: Neuronal Ceroid Lipofuscinoses. Identifiers: Orphanet 216, Orphanet 79263, MedGen C0027877, MONDO:0016295. Disease mechanism: loss of function.

Submission:

Labcorp Genetics (formerly Invitae), Labcorp
Classification: Pathogenic for Neuronal ceroid lipofuscinosis. Last evaluated: 2023-06-27. Review status: criteria provided, single submitter. Criteria: Invitae Variant Classification Sherloc (09022015). Collection method: clinical testing. Allele origin: germline.
Comment: For these reasons, this variant has been classified as Pathogenic. This variant has not been reported in the literature in individuals affected with CTSD-related conditions. A gross deletion of the genomic region encompassing the full coding sequence of the CTSD gene has been identified. Loss-of-function variants in CTSD are known to be pathogenic (PMID: 16670177, 26059544). The boundaries of this event are unknown as they extend beyond the assayed region for this gene and therefore may encompass additional genes.

Literature cited by the submitters: PubMed 16670177; PubMed 26059544.